The following is an entry in ClinVar:

ClinVar aggregate classification (germline): Uncertain significance (1 of 4 stars; one submission).

Allele frequency attached by ClinVar (database versions not stated): gnomAD 0.00005 and 0.00006; gnomAD exomes 0.00005 and 0.00006; TOPMed 0.00005; ExAC 0.00006; ESP Exome Variant Server 0.00015.

Submission:

Labcorp Genetics (formerly Invitae), Labcorp
Classification: Uncertain significance. Last evaluated: 2022-06-27. Review status: criteria provided, single submitter. Criteria: Invitae Variant Classification Sherloc (09022015). Collection method: clinical testing. Allele origin: germline.
Comment: This sequence change replaces arginine, which is basic and polar, with glutamine, which is neutral and polar, at codon 170 of the ADAMTSL4 protein (p.Arg170Gln). This variant is present in population databases (rs372319782, gnomAD 0.01%). This variant has not been reported in the literature in individuals affected with ADAMTSL4-related conditions. Algorithms developed to predict the effect of missense changes on protein structure and function are either unavailable or do not agree on the potential impact of this missense change (SIFT: "Deleterious"; PolyPhen-2: "Benign"; Align-GVGD: "Class C0"). Algorithms developed to predict the effect of sequence changes on RNA splicing suggest that this variant may create or strengthen a splice site. In summary, the available evidence is currently insufficient to determine the role of this variant in disease. Therefore, it has been classified as a Variant of Uncertain Significance.

NM_019032.6(ADAMTSL4):c.509G>A (p.Arg170Gln)

Genes: ADAMTSL4 (ADAMTS like 4; plus strand), ADAMTSL4-AS2 (ADAMTSL4 antisense RNA 2; minus strand). Cytogenetic location: 1q21.2.
Variant type: single nucleotide variant.
Coding change: c.509G>A on transcript NM_019032.6 (MANE Select); coding-DNA position 509, G replaced by A.
Protein change: p.Arg170Gln; replaces arginine 170 with glutamine.
Molecular consequence: missense variant.
Genome position (GRCh38, 1-based): chr1:150,553,500, G>A. VCF-style: chr1-150553500-G-A. GRCh37 (hg19) VCF-style: chr1-150525976-G-A.
Other names: c.509G>A, p.Arg170Gln (NM_001288607.2, NM_001288608.2, NM_001378596.1 and 1 more transcripts); short protein forms R170Q.
Identifiers: ClinVar variation 1464951 (VCV001464951.5), dbSNP rs372319782, ClinGen allele CA1077978.
Genomic context (GRCh38, chr1:150,553,500, plus strand): 5'-ACCCCATCAAGCCAGGAATGTTCGGTTATGGGAGAGTGCCCTTTGCATTGCCACTGCACC[G>A]GAACCGCAGGCACCCTCGGAGCCCACCCAGATCTGAGCTGTCCCTGATCTCTTCTAGAGG-3'
Protein context (NP_061905.2, residues 160-180): GRVPFALPLH[Arg170Gln]NRRHPRSPPR